The following is an entry in ClinVar:

ClinVar aggregate classification (germline): Likely pathogenic (0 of 4 stars; one submission).

Conditions:
Hypothyroidism, congenital, nongoitrous, 2 (CHNG2). Also called: Hypothyroidism, congenital, due to thyroid dysgenesis or hypoplasia. Identifiers: Orphanet 95712, MedGen C1869118, MONDO:0024264, OMIM 218700.

Submission:

Department of Pediatrics, Division of Medical Genetics, Faculty of Medicine Ramathibodi Hospital, Mahidol University
Classification: Likely pathogenic for Hypothyroidism, congenital, nongoitrous, 2. Last evaluated: 2020-05-14. Review status: no assertion criteria provided. Collection method: research. Allele origin: unknown. Inheritance: Autosomal dominant inheritance. Affected: yes. Observed: 1 heterozygote.

NM_003466.4(PAX8):c.236C>T (p.Ser79Phe)

Genes: PAX8-AS1 (PAX8 antisense RNA 1; plus strand), PAX8 (paired box 8; minus strand). Cytogenetic location: 2q14.1.
Variant type: single nucleotide variant.
Coding change: c.236C>T on transcript NM_003466.4 (MANE Select); coding-DNA position 236, C replaced by T.
Protein change: p.Ser79Phe; replaces serine 79 with phenylalanine.
Molecular consequence: missense variant.
Genome position (GRCh38, 1-based): chr2:113,244,580, G>A on the plus strand (C>T on the coding strand, the complement: PAX8 is on the minus strand). VCF-style: chr2-113244580-G-A. GRCh37 (hg19) VCF-style: chr2-114002157-G-A.
Other names: c.236C>T, p.Ser79Phe (NM_013952.4, NM_013953.4, NM_013992.4); short protein forms S79F.
Identifiers: ClinVar variation 915464 (VCV000915464.2), dbSNP rs1691154033, ClinGen allele CA348302717.